The following is an entry in ClinVar:

NM_000081.4(LYST):c.1251A>G (p.Gln417=)

Gene: LYST (lysosomal trafficking regulator; minus strand). Cytogenetic location: 1q42.3.
Variant type: single nucleotide variant.
Coding change: c.1251A>G on transcript NM_000081.4 (MANE Select); coding-DNA position 1251, A replaced by G.
Protein change: p.Gln417=; no amino-acid change (glutamine 417 retained).
Molecular consequence: synonymous variant.
Genome position (GRCh38, 1-based): chr1:235,809,567, T>C on the plus strand (A>G on the coding strand, the complement: LYST is on the minus strand). VCF-style: chr1-235809567-T-C. GRCh37 (hg19) VCF-style: chr1-235972867-T-C.
Other names: p.Gln417=; c.1251A>G, p.Gln417= (NM_001301365.1).
Identifiers: ClinVar variation 254910 (VCV000254910.26), dbSNP rs1063128, ClinGen allele CA1467491.

ClinVar aggregate classification (germline): Benign/Likely benign. Review status: criteria provided, multiple submitters, no conflicts (2 of 4 stars). 8 submissions from 8 submitters: Benign (7); Likely benign (1). Last evaluated 2026-02-04.

Conditions:
Chédiak-Higashi syndrome (CHS). Also called: Chediak-Higashi Syndrome. Identifiers: Orphanet 167, MedGen C0007965, MONDO:0008963, OMIM 214500.

Allele frequency attached by ClinVar (database versions not stated): 1000 Genomes Project 0.30331; 1000 Genomes Project 30x 0.31730; gnomAD exomes 0.34489; ExAC 0.34999; TOPMed 0.40168; gnomAD 0.40570 and 0.41864; ESP Exome Variant Server 0.43649.
gnomAD v4.1: 620,545 of 1,613,380 alleles (38%); highest among the groups gnomAD compares: African/African-American, 50%; 124,443 homozygotes.

Submissions (8):

Labcorp Genetics (formerly Invitae), Labcorp
Classification: Benign for Chédiak-Higashi syndrome. Last evaluated: 2026-02-04. Review status: criteria provided, single submitter. Criteria: Invitae Variant Classification Sherloc (09022015). Collection method: clinical testing. Allele origin: germline.

Blueprint Genetics
Classification: Likely benign. Last evaluated: 2024-11-26. Review status: criteria provided, single submitter. Criteria: ACMG Guidelines, 2015. Collection method: clinical testing. Allele origin: germline.

Unidad de Genómica Garrahan, Hospital de Pediatría Garrahan
Classification: Benign. Last evaluated: 2023-11-12. Review status: criteria provided, single submitter. Criteria: ACMG Guidelines, 2015. Collection method: clinical testing. Allele origin: germline. Affected: no. Observed: 48 variant alleles.
Comment: This variant is classified as Benign based on local population frequency. This variant was detected in 50% of patients studied by a panel of primary immunodeficiencies. Number of patients: 48. Only high quality variants are reported.

Mayo Clinic Laboratories, Mayo Clinic
Classification: Benign. Last evaluated: 2022-09-29. Review status: criteria provided, single submitter. Criteria: ACMG Guidelines, 2015. Collection method: clinical testing. Allele origin: germline. Observed: 1,837 variant alleles.

GeneDx
Classification: Benign. Last evaluated: 2018-06-13. Review status: criteria provided, single submitter. Criteria: GeneDx Variant Classification (06012015). Collection method: clinical testing. Allele origin: germline. Affected: yes.
Comment: This variant is considered likely benign or benign based on one or more of the following criteria: it is a conservative change, it occurs at a poorly conserved position in the protein, it is predicted to be benign by multiple in silico algorithms, and/or has population frequency not consistent with disease.

Laboratory for Molecular Medicine, Mass General Brigham Personalized Medicine
Classification: Benign. Last evaluated: 2016-03-28. Review status: criteria provided, single submitter. Criteria: LMM Criteria. Collection method: clinical testing. Allele origin: germline.
Comment: Variant identified in a genome or exome case(s) and assessed due to predicted null impact of the variant or pathogenic assertions in the literature or databases. Disclaimer: This variant has not undergone full assessment. The following are preliminary notes: MAF

Breakthrough Genomics
Classification: Benign. Review status: criteria provided, single submitter. Criteria: ACMG Guidelines, 2015. Collection method: not provided. Allele origin: germline. Inheritance: Autosomal recessive inheritance. Affected: yes.

PreventionGenetics, part of Exact Sciences
Classification: Benign. Review status: criteria provided, single submitter. Criteria: ACMG Guidelines, 2015. Collection method: clinical testing. Allele origin: germline.